The following is an entry in ClinVar:

ClinVar aggregate classification (germline): Uncertain significance (1 of 4 stars; one submission).

Conditions:
Gingival disorder. Also called: Gingival disease. Identifiers: MedGen C0017563, MONDO:0002021.

Allele frequency attached by ClinVar (database versions not stated): ExAC 0.00002; gnomAD exomes 0.00002 and 0.00003; TOPMed 0.00002; gnomAD 0.00004; 1000 Genomes Project 30x 0.00016; 1000 Genomes Project 0.00020.

Submission:

Labcorp Genetics (formerly Invitae), Labcorp
Classification: Uncertain significance for Gingival disorder. Last evaluated: 2022-09-17. Review status: criteria provided, single submitter. Criteria: Invitae Variant Classification Sherloc (09022015). Collection method: clinical testing. Allele origin: germline.
Comment: ClinVar contains an entry for this variant (Variation ID: 1502924). Algorithms developed to predict the effect of missense changes on protein structure and function are either unavailable or do not agree on the potential impact of this missense change (SIFT: "Tolerated"; PolyPhen-2: "Possibly Damaging"; Align-GVGD: "Class C15"). In summary, the available evidence is currently insufficient to determine the role of this variant in disease. Therefore, it has been classified as a Variant of Uncertain Significance. This sequence change replaces arginine, which is basic and polar, with cysteine, which is neutral and slightly polar, at codon 163 of the FPR1 protein (p.Arg163Cys). This variant is present in population databases (rs564702916, gnomAD 0.006%). This variant has not been reported in the literature in individuals affected with FPR1-related conditions.

NM_002029.4(FPR1):c.487C>T (p.Arg163Cys)

Gene: FPR1 (formyl peptide receptor 1; minus strand). Cytogenetic location: 19q13.41.
Variant type: single nucleotide variant.
Coding change: c.487C>T on transcript NM_002029.4 (MANE Select); coding-DNA position 487, C replaced by T.
Protein change: p.Arg163Cys; replaces arginine 163 with cysteine.
Molecular consequence: missense variant.
Genome position (GRCh38, 1-based): chr19:51,746,508, G>A on the plus strand (C>T on the coding strand, the complement: FPR1 is on the minus strand). VCF-style: chr19-51746508-G-A. GRCh37 (hg19) VCF-style: chr19-52249761-G-A.
Other names: c.487C>T, p.Arg163Cys (NM_001193306.2); short protein forms R163C.
Identifiers: ClinVar variation 1502924 (VCV001502924.9), dbSNP rs564702916, ClinGen allele CA9616454.